The following is an entry in ClinVar:

NM_007294.4(BRCA1):c.81-5G>A

Gene: BRCA1 (BRCA1 DNA repair associated; minus strand). Cytogenetic location: 17q21.31.
Variant type: single nucleotide variant.
Coding change: c.81-5G>A on transcript NM_007294.4 (MANE Select); 5 bases into the intron before coding-DNA position 81, G replaced by A.
Molecular consequence: intron variant.
Genome position (GRCh38, 1-based): chr17:43,115,784, C>T on the plus strand (G>A on the coding strand, the complement: BRCA1 is on the minus strand). VCF-style: chr17-43115784-C-T. GRCh37 (hg19) VCF-style: chr17-41267801-C-T.
Other names: c.-108-5G>A (NM_001408509.1, NM_001408508.1, NM_001408491.1 and 52 more transcripts); c.81-5G>A (NM_001408408.1, NM_001407647.1, NM_001408446.1 and 191 more transcripts); c.-224-5G>A (NM_001408492.1, NM_001407889.1, NM_001407900.1); c.-177-5G>A (NM_001408468.1, NM_001407842.1, NM_001407749.1 and 13 more transcripts); c.-181-5G>A (NM_001407695.1, NM_001408465.1); c.-61-5G>A (NM_001407846.1, NM_001408503.1, NM_001407943.1 and 47 more transcripts); c.-8+5774G>A (NM_001407726.1, NM_001407751.1); c.-219+9487G>A (NM_001407966.1); and 10 more.
Identifiers: ClinVar variation 438946 (VCV000438946.22), dbSNP rs1555599296, ClinGen allele CA645509507.

ClinVar aggregate classification (germline): Conflicting classifications of pathogenicity. Review status: criteria provided, conflicting classifications (1 of 4 stars). 5 submissions from 5 submitters: Uncertain significance (2); Benign (1); Likely benign (2). Last evaluated 2025-11-01.

Conditions:
Hereditary breast ovarian cancer syndrome. Also called: Hereditary breast and ovarian cancer syndrome (HBOC); BRCA1- and BRCA2-Associated Hereditary Breast and Ovarian Cancer; Hereditary breast and/or ovarian cancer syndrome; Hereditary breast and ovarian cancer syndrome; Hereditary breast and ovarian cancer; Breast and ovarian cancer. Identifiers: Orphanet 145, MedGen C0677776, MeSH D061325, MONDO:0003582. Disease mechanism: loss of function.
Hereditary cancer-predisposing syndrome. Also called: Neoplastic Syndromes, Hereditary; Hereditary neoplastic syndrome; Tumor predisposition; Hereditary Cancer Syndrome. Identifiers: Orphanet 140162, MedGen C0027672, MeSH D009386, MONDO:0015356.

Submissions (6):

Labcorp Genetics (formerly Invitae), Labcorp
Classification: Likely benign for Hereditary breast ovarian cancer syndrome. Last evaluated: 2025-11-01. Review status: criteria provided, single submitter. Criteria: Invitae Variant Classification Sherloc (09022015). Collection method: clinical testing. Allele origin: germline.

Women's Health and Genetics/Laboratory Corporation of America, LabCorp
Classification: Likely benign. Last evaluated: 2025-04-16. Review status: criteria provided, single submitter. Criteria: LabCorp Variant Classification Summary - May 2015. Collection method: clinical testing. Allele origin: germline.
Comment: Variant summary: BRCA1 c.81-5G>A alters a non-conserved nucleotide located at a position not widely known to affect splicing. Consensus agreement among computation tools predict no significant impact on normal splicing. However, these predictions have yet to be confirmed by functional studies. The variant was absent in 249574 control chromosomes. The available data on variant occurrences in the general population are insufficient to allow any conclusion about variant significance. To our knowledge, no occurrence of c.81-5G>A in individuals affected with Hereditary Breast And Ovarian Cancer Syndrome has been reported. At least one functional study reports experimental evidence evaluating an impact on protein function and showed no damaging effect of this variant on homology directed repair (HDR) activity (Findlay_2018). HDR assays qualify as a recognized gold standard on the basis of updated guidance provided by the ClinGen Sequence Variant Interpretation (SVI) working group. The following publication has been ascertained in the context of this evaluation (PMID: 30209399). ClinVar contains an entry for this variant (Variation ID: 438946). Based on the evidence outlined above, the variant was classified as likely benign.

Ambry Genetics
Classification: Benign for Hereditary cancer-predisposing syndrome. Last evaluated: 2021-05-13. Review status: criteria provided, single submitter. Criteria: Ambry Variant Classification Scheme 2023. Collection method: clinical testing. Allele origin: germline.

Color Diagnostics, LLC DBA Color Health
Classification: Uncertain significance for Hereditary cancer-predisposing syndrome. Last evaluated: 2019-11-05. Review status: criteria provided, single submitter. Criteria: ACMG Guidelines, 2015. Collection method: clinical testing. Allele origin: germline.
Comment: This variant causes a G>A nucleotide substitution at the -5 position of intron 2 of the BRCA1 gene. To our knowledge, functional studies have not been performed for this variant. This variant has not been reported in individuals affected with hereditary cancer in the literature. This variant has not been identified in the general population by the Genome Aggregation Database (gnomAD). The available evidence is insufficient to determine the role of this variant in disease conclusively. Therefore, this variant is classified as a Variant of Uncertain Significance.

Quest Diagnostics Nichols Institute San Juan Capistrano
Classification: Uncertain significance. Last evaluated: 2016-09-23. Review status: criteria provided, single submitter. Criteria: Quest Diagnostics criteria. Collection method: clinical testing. Allele origin: germline.

Brotman Baty Institute, University of Washington
No classification provided (evidence only). Condition: Breast-ovarian cancer, familial 1. Review status: no classification provided. Collection method: in vitro. Allele origin: not applicable. Functional consequence: functionally_normal. Not counted in ClinVar's aggregate classification.
ClinVar note: "not provided" was previously submitted as the classification for the variant. However, the classification appeared to be based only on an observation of functional data so it was converted to no classification on 2025-07-30.

Literature cited by the submitters: PubMed 30209399 (cited by Women's Health and Genetics/Laboratory Corporation of America, LabCorp and Ambry Genetics).